The following is an entry in ClinVar:

ClinVar aggregate classification (germline): Pathogenic. Review status: criteria provided, multiple submitters, no conflicts (2 of 4 stars). 2 submissions from 2 submitters: Pathogenic (2). Last evaluated 2022-04-01.

Submissions (2):

CeGaT Center for Human Genetics Tuebingen
Classification: Pathogenic. Last evaluated: 2022-04-01. Review status: criteria provided, single submitter. Criteria: CeGaT Center For Human Genetics Tuebingen Variant Classification Criteria Version 2. Collection method: clinical testing. Allele origin: germline. Affected: yes. Observed: 2 variant alleles.
Comment: ATM: PVS1, PM2

Institute of Medical Genetics and Applied Genomics, University Hospital Tübingen
Classification: Pathogenic. Last evaluated: 2021-06-17. Review status: criteria provided, single submitter. Criteria: ACMG Guidelines, 2015. Collection method: clinical testing. Allele origin: germline. Inheritance: Autosomal dominant inheritance. Affected: yes.

NM_000051.4(ATM):c.8695del (p.Ile2899fs)

Genes: ATM (ATM serine/threonine kinase; plus strand), C11orf65 (chromosome 11 open reading frame 65; minus strand). Cytogenetic location: 11q22.3.
Variant type: Deletion.
Coding change: c.8695del on transcript NM_000051.4 (MANE Select); coding-DNA position 8695, one base deleted (A; older notation c.8695delA).
Protein change: p.Ile2899fs; shifts the reading frame from isoleucine 2899.
Molecular consequence: frameshift variant. On other transcripts: intron variant (2).
Genome position (GRCh38, 1-based): chr11:108,353,789, A deleted; the last of 4 consecutive A bases (chr11:108,353,786-108,353,789); deleting any one gives the same sequence. VCF-style (leftmost placement, unchanged base first): chr11-108353785-CA-C. GRCh37 (hg19) VCF-style: chr11-108224512-CA-C.
Other names: c.8695del, p.Ile2899fs (NM_001351834.2); c.640+32134del (NM_001330368.2); c.695-18494del (NM_001351110.2); short protein forms I2899fs.
Identifiers: ClinVar variation 1184926 (VCV001184926.32), dbSNP rs1555142816, ClinGen allele CA2499220736.